The following is an entry in ClinVar:

ClinVar aggregate classification (germline): Uncertain significance (1 of 4 stars; one submission).

Conditions:
Congenital disorder of glycosylation (CDG). Also called: Carbohydrate-deficient glycoprotein syndrome; Congenital disorders of glycosylation. Identifiers: Orphanet 137, MedGen C0282577, MONDO:0015286.
SSR4-congenital disorder of glycosylation. Also called: Congenital disorder of glycosylation type 1y; CDG IY; SSR4-CDG. Identifiers: Orphanet 370927, MedGen C4012395, MONDO:0010490, OMIM 300934.

Submission:

Dasa
Classification: Uncertain significance for SSR4-congenital disorder of glycosylation. Last evaluated: 2026-03-24. Review status: criteria provided, single submitter. Criteria: DASA Assertion Criteria. Collection method: clinical testing. Allele origin: germline.
Comment: NM_006280.3(SSR4):c.17C>T (p.Ser6Phe) is a missense variant that results in the substitution of serine with phenylalanine. This variant is rare in population databases. Computational prediction algorithms are consistent with a benign effect. The currently available literature and clinical evidence are not sufficient to establish a definitive association between this variant and the reported condition. Therefore, this variant is classified as a variant of uncertain significance.

NM_006280.3(SSR4):c.17C>T (p.Ser6Phe)

Gene: SSR4 (signal sequence receptor subunit 4; plus strand). Cytogenetic location: Xq28.
Variant type: single nucleotide variant.
Coding change: c.17C>T on transcript NM_006280.3 (MANE Select); coding-DNA position 17, C replaced by T.
Protein change: p.Ser6Phe; replaces serine 6 with phenylalanine.
Molecular consequence: missense variant. On other transcripts: non-coding transcript variant (1).
Genome position (GRCh38, 1-based): chrX:153,794,704, C>T. VCF-style: chrX-153794704-C-T. GRCh37 (hg19) VCF-style: chrX-153060159-C-T.
Other names: c.50C>T (NM_001204526.1); c.50C>T, p.Ser17Phe (NM_001204526.2); c.41C>T, p.Ser14Phe (NM_001204527.2); c.98C>T, p.Ser33Phe (NM_001440795.1); c.17C>T, p.Ser6Phe (NM_001440796.1); short protein forms S14F, S17F, S33F, S6F.
Identifiers: ClinVar variation 4882235 (VCV004882235.3).